The following is an entry in ClinVar:

ClinVar aggregate classification (germline): Pathogenic. Review status: criteria provided, multiple submitters, no conflicts (2 of 4 stars). 5 submissions from 5 submitters: Pathogenic (4). 1 of the submissions does not count toward it. Last evaluated 2025-11-24.

Conditions:
Deficiency of steroid 17-alpha-monooxygenase. Also called: 17-alpha-hydroxylase/17,20-lyase deficiency; ADRENAL HYPERPLASIA V; 17-ALPHA-HYDROXYLASE DEFICIENCY; Congenital adrenal hyperplasia due to 17-alpha-hydroxylase deficiency; Congenital adrenal hyperplasia type 5. Identifiers: Orphanet 90793, MedGen C0268285, MONDO:0008730, OMIM 202110.
CYP17A1-related disorder. Also called: CYP17A1-related condition.

Submissions (5):

Labcorp Genetics (formerly Invitae), Labcorp
Classification: Pathogenic. Last evaluated: 2025-11-24. Review status: criteria provided, single submitter. Criteria: Invitae Variant Classification Sherloc (09022015). Collection method: clinical testing. Allele origin: germline.
Comment: This sequence change creates a premature translational stop signal (p.Tyr329Lysfs*90) in the CYP17A1 gene. While this is not anticipated to result in nonsense mediated decay, it is expected to disrupt the last 180 amino acid(s) of the CYP17A1 protein. Information on the frequency of this variant in the gnomAD database is not available, as this variant may be reported differently in the database. This premature translational stop signal has been observed in individuals with 17-hydroxylase deficiency (PMID: 16604478, 16822828, 27959413, 29854486). This variant is also known as Y329fs and 6436-6438 (TAC>AA). For these reasons, this variant has been classified as Pathogenic.

Natera, Inc.
Classification: Pathogenic for Deficiency of steroid 17-alpha-monooxygenase. Last evaluated: 2025-07-18. Review status: criteria provided, single submitter. Criteria: Natera Variant Classification Schema (03/2026). Collection method: clinical testing. Allele origin: germline.
Comment: The c.985_987delTACinsAA variant in CYP17A1 is a frameshift variant predicted to shift the reading frame beginning at codon 329 and leads to a stop codon 90 codons downstream. This variant is expected to result in nonsense mediated decay, truncation, or a dysfunctional protein product. This variant is rare in the general population with a frequency below the threshold expected for the associated phenotype(s). This variant has been observed in one or more individuals affected with the associated recessive disease, as either homozygous or compound heterozygous with a second variant (PMID: 18422032). Given the available evidence, this variant is classified as Pathogenic.

Fulgent Genetics
Classification: Pathogenic for Deficiency of steroid 17-alpha-monooxygenase. Last evaluated: 2022-02-04. Review status: criteria provided, single submitter. Criteria: ACMG Guidelines, 2015. Collection method: clinical testing. Allele origin: unknown.

Juno Genomics, Hangzhou Juno Genomics, Inc
Classification: Pathogenic for Deficiency of steroid 17-alpha-monooxygenase. Review status: criteria provided, single submitter. Criteria: ACMG Guidelines, 2015. Collection method: clinical testing. Allele origin: germline.
Comment: Absent from controls (or at extremely low frequency if recessive) in Genome Aggregation Database.;Null variant in a gene where loss of function (LOF) is a known mechanism of disease.;For recessive disorders, detected in trans with a pathogenic variant.

PreventionGenetics, part of Exact Sciences
Classification: Pathogenic for CYP17A1-related condition. Last evaluated: 2023-12-18. Review status: no assertion criteria provided. Collection method: clinical testing. Allele origin: germline. Not counted in ClinVar's aggregate classification.
Comment: The CYP17A1 c.985_987delinsAA variant is predicted to result in a frameshift and premature protein termination (p.Tyr329Lysfs*90). This variant has been reported in the compound heterozygous and homozygous states in multiple individuals with 17-alpha-hydroxylase deficiency and is highly prevalent in Chinese and Korean populations (Tao et al. 2006. PubMed ID: 16604478; Yao et al. 2013. PubMed ID: 22954317; Kim et al. 2014. PubMed ID: 24140098; Zhang et al. 2015. PubMed ID: 25697092; Xia et al. 2021. PubMed ID: 33547012; Zhang et al. 2023. PubMed ID: 36589849). Additionally, this variant has been reported to segregate with disease in at least one family (Wei et al. 2006. PubMed ID: 16822828). This variant has not been reported in a large population database, indicating this variant is rare. Frameshift variants in CYP17A1 are expected to be pathogenic. This variant is interpreted as pathogenic.

Literature cited by the submitters: PubMed 16604478 (cited by Labcorp Genetics (formerly Invitae), Labcorp); PubMed 16822828 (cited by Labcorp Genetics (formerly Invitae), Labcorp); PubMed 27959413 (cited by Labcorp Genetics (formerly Invitae), Labcorp); PubMed 29854486 (cited by Labcorp Genetics (formerly Invitae), Labcorp); PubMed 18422032 (cited by Natera, Inc.).

NM_000102.4(CYP17A1):c.985_987delinsAA (p.Tyr329fs)

Gene: CYP17A1 (cytochrome P450 family 17 subfamily A member 1; minus strand). Cytogenetic location: 10q24.32.
Variant type: Indel.
Coding change: c.985_987delinsAA on transcript NM_000102.4 (MANE Select); coding-DNA positions 985 to 987, TAC replaced by AA.
Protein change: p.Tyr329fs; shifts the reading frame from tyrosine 329.
Molecular consequence: frameshift variant.
Genome position (GRCh38, 1-based): chr10:102,832,663-102,832,665, GTA replaced by TT on the plus strand (TAC replaced by AA on the coding strand, the reverse complement: CYP17A1 is on the minus strand). VCF-style: chr10-102832663-GTA-TT. GRCh37 (hg19) VCF-style: chr10-104592420-GTA-TT.
Other names: c.985_987delTACinsAA (NM_000102.3); short protein forms Y329fs.
Identifiers: ClinVar variation 969804 (VCV000969804.14), dbSNP rs1844105842, ClinGen allele CA1139661684.
Genomic context (GRCh38, chr10:102,832,663, plus strand): 5'-ACGGTTACGGTCACTGATAGTTGGTGTGCGGCTGAAACCCACATTCTGGTCAATCTCCTC[GTA>TT]GAGCTTCTTCTTCACCTGAAGACCAGAGTAGGTTGGAGGTGACTAGTGTGTGTAAGCCCA-3'